The following is an entry in ClinVar:

NM_006231.4(POLE):c.2865G>T (p.Arg955Ser)

Gene: POLE (DNA polymerase epsilon, catalytic subunit; minus strand). Cytogenetic location: 12q24.33.
Variant type: single nucleotide variant.
Coding change: c.2865G>T on transcript NM_006231.4 (MANE Select); coding-DNA position 2865, G replaced by T.
Protein change: p.Arg955Ser; replaces arginine 955 with serine.
Molecular consequence: missense variant.
Genome position (GRCh38, 1-based): chr12:132,661,164, C>A on the plus strand (G>T on the coding strand, the complement: POLE is on the minus strand). VCF-style: chr12-132661164-C-A. GRCh37 (hg19) VCF-style: chr12-133237750-C-A.
Other names: short protein forms R955S.
Identifiers: ClinVar variation 1518044 (VCV001518044.8), dbSNP rs2138692804, ClinGen allele CA387393028.

ClinVar aggregate classification (germline): Uncertain significance (1 of 4 stars; one submission).

Submission:

Labcorp Genetics (formerly Invitae), Labcorp
Classification: Uncertain significance. Last evaluated: 2023-08-11. Review status: criteria provided, single submitter. Criteria: Invitae Variant Classification Sherloc (09022015). Collection method: clinical testing. Allele origin: germline.
Comment: ClinVar contains an entry for this variant (Variation ID: 1518044). In summary, the available evidence is currently insufficient to determine the role of this variant in disease. Therefore, it has been classified as a Variant of Uncertain Significance. An algorithm developed to predict the effect of missense changes on protein structure and function (PolyPhen-2) suggests that this variant is likely to be disruptive. This variant has not been reported in the literature in individuals affected with POLE-related conditions. This variant is not present in population databases (gnomAD no frequency). This sequence change replaces arginine, which is basic and polar, with serine, which is neutral and polar, at codon 955 of the POLE protein (p.Arg955Ser).